The following is an entry in ClinVar:

NM_130849.4(SLC39A4):c.825C>T (p.Asp275=)

Gene: SLC39A4 (solute carrier family 39 member 4; minus strand). Cytogenetic location: 8q24.3.
Variant type: single nucleotide variant.
Coding change: c.825C>T on transcript NM_130849.4 (MANE Select); coding-DNA position 825, C replaced by T.
Protein change: p.Asp275=; no amino-acid change (aspartic acid 275 retained).
Molecular consequence: synonymous variant.
Genome position (GRCh38, 1-based): chr8:144,414,876, G>A on the plus strand (C>T on the coding strand, the complement: SLC39A4 is on the minus strand). VCF-style: chr8-144414876-G-A. GRCh37 (hg19) VCF-style: chr8-145640260-G-A.
Other names: c.825C>T (NM_130849.3); c.543C>T, p.Asp181= (NM_001374839.1); c.750C>T, p.Asp250= (NM_017767.3).
Identifiers: ClinVar variation 1597581 (VCV001597581.19), dbSNP rs139362669, ClinGen allele CA4941509.
Genomic context (GRCh38, chr8:144,414,876, plus strand): 5'-TTGGGCCCAGGCCTCCGGGGTCACCCCAGCCTGTTCCGACAGTCCATATGCAGCCATCAC[G>A]TCCCTGGCACTCAGGCATACCTGGGGGGTGGCAGGACAGGCTCAGGGGCCCAAGCAGACC-3'
Protein context (NP_570901.3, residues 265-285): VWDTVCLSAR[Asp275=]VMAAYGLSEQ

ClinVar aggregate classification (germline): Likely benign. Review status: criteria provided, multiple submitters, no conflicts (2 of 4 stars). 4 submissions from 4 submitters: Likely benign (3). 1 of the submissions does not count toward it. Last evaluated 2026-01-24.

Conditions:
SLC39A4-related disorder. Also called: SLC39A4-related condition.

Allele frequency attached by ClinVar (database versions not stated): gnomAD 0.00001 and 0.00004; ExAC 0.00002; gnomAD exomes 0.00003; ESP Exome Variant Server 0.00008; TOPMed 0.00008.
gnomAD v4.1: 77 of 1,613,194 alleles (0.0048%); highest among the groups gnomAD compares: East Asian, 0.016%; no homozygotes.

Submissions (4):

Labcorp Genetics (formerly Invitae), Labcorp
Classification: Likely benign. Last evaluated: 2026-01-24. Review status: criteria provided, single submitter. Criteria: Invitae Variant Classification Sherloc (09022015). Collection method: clinical testing. Allele origin: germline.

CeGaT Center for Human Genetics Tuebingen
Classification: Likely benign. Last evaluated: 2025-06-01. Review status: criteria provided, single submitter. Criteria: CeGaT Center For Human Genetics Tuebingen Variant Classification Criteria Version 2. Collection method: clinical testing. Allele origin: germline. Affected: yes. Observed: 1 variant allele.
Comment: SLC39A4: BP4, BP7

Blueprint Genetics
Classification: Likely benign. Last evaluated: 2023-06-19. Review status: criteria provided, single submitter. Criteria: ACMG Guidelines, 2015. Collection method: clinical testing. Allele origin: germline.

PreventionGenetics, part of Exact Sciences
Classification: Likely benign for SLC39A4-related condition. Last evaluated: 2020-07-01. Review status: no assertion criteria provided. Collection method: clinical testing. Allele origin: germline. Not counted in ClinVar's aggregate classification.
Comment: This variant is classified as likely benign based on ACMG/AMP sequence variant interpretation guidelines (Richards et al. 2015 PMID: 25741868, with internal and published modifications).